The following is an entry in ClinVar:

NM_001347721.2(DYRK1A):c.584del (p.Val195fs)

Gene: DYRK1A (dual specificity tyrosine phosphorylation regulated kinase 1A; plus strand). Cytogenetic location: 21q22.13.
Variant type: Deletion.
Coding change: c.584del on transcript NM_001347721.2 (MANE Select); coding-DNA position 584, one base deleted (T; older notation c.584delT).
Protein change: p.Val195fs; shifts the reading frame from valine 195.
Molecular consequence: frameshift variant.
Genome position (GRCh38, 1-based): chr21:37,486,561, T deleted. VCF-style (leftmost placement, unchanged base first): chr21-37486560-GT-G. GRCh37 (hg19) VCF-style: chr21-38858862-GT-G.
Other names: c.584del, p.Val195fs (NM_001347722.2, NM_130436.2); c.497del, p.Val166fs (NM_001347723.2); c.611del, p.Val204fs (NM_001396.5, NM_101395.2, NM_130438.2); short protein forms V166fs, V195fs, V204fs.
Identifiers: ClinVar variation 3391808 (VCV003391808.2).

ClinVar aggregate classification (germline): Pathogenic (1 of 4 stars; one submission).

Conditions:
DYRK1A-related intellectual disability syndrome (MRD7). Also called: DYRK1A Syndrome; Intellectual developmental disorder, autosomal dominant 7. Identifiers: Orphanet 464306, MedGen C5568143, MONDO:0013578, OMIM 614104.

Submission:

Diagnostic Laboratory, Strasbourg University Hospital
Classification: Pathogenic for DYRK1A-related intellectual disability syndrome. Last evaluated: 2024-12-23. Review status: criteria provided, single submitter. Criteria: ACMG Guidelines, 2015. Collection method: clinical testing. Allele origin: de novo. Inheritance: Autosomal dominant inheritance. Affected: yes. Observed: 1 heterozygote.
Comment: The variant occurred de novo. It is a truncating variant, removing on part of the protein

Literature cited by the submitters: PubMed 38030819.